The following is an entry in ClinVar:

NM_018451.5(CPAP):c.1001G>A (p.Arg334Lys)

Gene: CPAP (centrosome assembly and centriole elongation protein; minus strand). Cytogenetic location: 13q12.13.
Variant type: single nucleotide variant.
Coding change: c.1001G>A on transcript NM_018451.5 (MANE Select); coding-DNA position 1001, G replaced by A.
Protein change: p.Arg334Lys; replaces arginine 334 with lysine.
Molecular consequence: missense variant. On other transcripts: non-coding transcript variant (2).
Genome position (GRCh38, 1-based): chr13:24,907,167, C>T on the plus strand (G>A on the coding strand, the complement: CPAP is on the minus strand). VCF-style: chr13-24907167-C-T. GRCh37 (hg19) VCF-style: chr13-25481305-C-T.
Other names: short protein forms R334K.
Identifiers: ClinVar variation 1715589 (VCV001715589.6), dbSNP rs2541700090, ClinGen allele CA387589199.

ClinVar aggregate classification (germline): Uncertain significance (1 of 4 stars; one submission).

Allele frequency attached by ClinVar (database versions not stated): gnomAD exomes below 0.00001.
gnomAD v4.1: 1 of 1,613,606 alleles (0.000062%); highest among the groups gnomAD compares: Non-Finnish European, 0.000085%; no homozygotes.

Submission:

Labcorp Genetics (formerly Invitae), Labcorp
Classification: Uncertain significance. Last evaluated: 2024-06-17. Review status: criteria provided, single submitter. Criteria: Invitae Variant Classification Sherloc (09022015). Collection method: clinical testing. Allele origin: germline.
Comment: This sequence change replaces arginine, which is basic and polar, with lysine, which is basic and polar, at codon 334 of the CENPJ protein (p.Arg334Lys). This variant is not present in population databases (gnomAD no frequency). This variant has not been reported in the literature in individuals affected with CENPJ-related conditions. ClinVar contains an entry for this variant (Variation ID: 1715589). Advanced modeling of protein sequence and biophysical properties (such as structural, functional, and spatial information, amino acid conservation, physicochemical variation, residue mobility, and thermodynamic stability) performed at Invitae indicates that this missense variant is not expected to disrupt CENPJ protein function with a negative predictive value of 80%. In summary, the available evidence is currently insufficient to determine the role of this variant in disease. Therefore, it has been classified as a Variant of Uncertain Significance.